The following is an entry in ClinVar:

NM_001377.3(DYNC2H1):c.2536_2549del (p.Leu846fs)

Gene: DYNC2H1 (dynein cytoplasmic 2 heavy chain 1; plus strand). Cytogenetic location: 11q22.3.
Variant type: Deletion.
Coding change: c.2536_2549del on transcript NM_001377.3 (MANE Select); coding-DNA positions 2536 to 2549, 14 bases deleted (CTGTTTAGAAGATT).
Protein change: p.Leu846fs; shifts the reading frame from leucine 846.
Molecular consequence: frameshift variant.
Genome position (GRCh38, 1-based): chr11:103,135,910-103,135,923, CTGTTTAGAAGATT deleted; deleting any 14 consecutive bases within chr11:103,135,909-103,135,923 gives the same sequence; the c. name uses the placement nearest the transcript's 3' end. VCF-style (leftmost placement, unchanged base first): chr11-103135908-ATCTGTTTAGAAGAT-A. GRCh37 (hg19) VCF-style: chr11-103006637-ATCTGTTTAGAAGAT-A.
Other names: c.2536_2549del, p.Leu846fs (NM_001080463.2); short protein forms L846fs.
Identifiers: ClinVar variation 3254983 (VCV003254983.2), dbSNP rs2496920213.

ClinVar aggregate classification (germline): Pathogenic (1 of 4 stars; one submission).

Conditions:
Asphyxiating thoracic dystrophy 3. Also called: SHORT-RIB THORACIC DYSPLASIA 3 WITH OR WITHOUT POLYDACTYLY; POLYDACTYLY WITH NEONATAL CHONDRODYSTROPHY, TYPE I; SHORT-RIB THORACIC DYSPLASIA 3/6 WITH POLYDACTYLY, DIGENIC; Short rib polydactyly syndrome 2B; Saldino-Noonan Syndrome. Identifiers: Orphanet 474, Orphanet 93269, Orphanet 93270, Orphanet 93271, MedGen C0036069, MONDO:0013127, OMIM 613091.

Submission:

Victorian Clinical Genetics Services, Murdoch Childrens Research Institute
Classification: Pathogenic for Asphyxiating thoracic dystrophy 3. Last evaluated: 2024-09-20. Review status: criteria provided, single submitter. Criteria: ACMG Guidelines, 2015. Collection method: clinical testing. Allele origin: germline. Inheritance: Autosomal recessive inheritance. Affected: yes.
Comment: Based on the classification scheme VCGS_Germline_v1.3.4, this variant is classified as Pathogenic. Following criteria are met: 0102 - Loss of function is a known mechanism of disease in this gene and is associated with short-rib thoracic dysplasia 3 with or without polydactyly (MIM#613091). (I) 0106 - This gene is associated with autosomal recessive disease. (I) 0201 - Variant is predicted to cause nonsense-mediated decay (NMD) and loss of protein (premature termination codon is located at least 54 nucleotides upstream of the final exon-exon junction). (SP) 0251 - This variant is heterozygous. (I) 0301 - Variant is absent from gnomAD (both v2 and v3). (SP) 0701 - Other NMD predicted variants comparable to the one identified in this case have very strong previous evidence for pathogenicity (DECIPHER). (SP) 0807 - This variant has no previous evidence of pathogenicity. (I) 0905 - No published segregation evidence has been identified for this variant. (I) 1007 - No published functional evidence has been identified for this variant. (I) 1201 - Heterozygous variant detected in trans with a likely pathogenic heterozygous variant in a recessive disease. (I) 1208 - Inheritance information for this variant is not currently available in this individual. (I) Legend: (SP) - Supporting pathogenic, (I) - Information, (SB) - Supporting benign